The following is an entry in ClinVar:

ClinVar aggregate classification (germline): Likely pathogenic. Review status: criteria provided, multiple submitters, no conflicts (2 of 4 stars). 2 submissions from 2 submitters: Likely pathogenic (2). Last evaluated 2025-07-16.

Conditions:
Inborn genetic diseases. Identifiers: MedGen C0950123, MeSH D030342.

Submissions (2):

Labcorp Genetics (formerly Invitae), Labcorp
Classification: Likely pathogenic. Last evaluated: 2025-07-16. Review status: criteria provided, single submitter. Criteria: Invitae Variant Classification Sherloc (09022015). Collection method: clinical testing. Allele origin: germline.
Comment: This sequence change affects a splice site in intron 4 of the TFAP2A gene. It is expected to disrupt RNA splicing. Variants that disrupt the donor or acceptor splice site typically lead to a loss of protein function (PMID: 16199547), and loss-of-function variants in TFAP2A are known to be pathogenic (PMID: 8622766, 20150232, 21204207, 21539471, 21728810). This variant is not present in population databases (gnomAD no frequency). This variant has not been reported in the literature in individuals affected with TFAP2A-related conditions. ClinVar contains an entry for this variant (Variation ID: 2614435). Algorithms developed to predict the effect of sequence changes on RNA splicing suggest that this variant may disrupt the consensus splice site. In summary, the currently available evidence indicates that the variant is pathogenic, but additional data are needed to prove that conclusively. Therefore, this variant has been classified as Likely Pathogenic.

Ambry Genetics
Classification: Likely pathogenic for Inborn genetic diseases. Last evaluated: 2023-08-23. Review status: criteria provided, single submitter. Criteria: Ambry Variant Classification Scheme 2023. Collection method: clinical testing. Allele origin: germline.
Comment: The c.765-2_765-1delAG intronic variant results from a deletion of two nucleotides before coding exon 5 of the TFAP2A gene. Alterations that disrupt the canonical splice site are expected to cause aberrant splicing, resulting in an abnormal protein or a transcript that is subject to nonsense-mediated mRNA decay. This variant was not reported in population-based cohorts in the Genome Aggregation Database (gnomAD). These nucleotide positions are highly conserved in available vertebrate species. In silico splice site analysis predicts that this alteration will weaken the native splice acceptor site. Based on the available evidence, this alteration is classified as likely pathogenic.

Literature cited by the submitters: PubMed 16199547 (cited by Labcorp Genetics (formerly Invitae), Labcorp); PubMed 8622766 (cited by Labcorp Genetics (formerly Invitae), Labcorp); PubMed 20150232 (cited by Labcorp Genetics (formerly Invitae), Labcorp); PubMed 21204207 (cited by Labcorp Genetics (formerly Invitae), Labcorp); PubMed 21539471 (cited by Labcorp Genetics (formerly Invitae), Labcorp); PubMed 21728810 (cited by Labcorp Genetics (formerly Invitae), Labcorp).

NM_001372066.1(TFAP2A):c.771-2_771-1del

Gene: TFAP2A (transcription factor AP-2 alpha; minus strand). Cytogenetic location: 6p24.3.
Variant type: Deletion.
Coding change: c.771-2_771-1del on transcript NM_001372066.1 (MANE Select); the canonical splice acceptor site of the intron before coding-DNA position 771, 2 bases deleted (AG; older notation c.771-2_771-1delAG).
Molecular consequence: splice acceptor variant.
Genome position (GRCh38, 1-based): chr6:10,402,611-10,402,612, CT deleted on the plus strand (AG on the coding strand, the reverse complement: TFAP2A is on the minus strand). VCF-style (leftmost placement, unchanged base first): chr6-10402610-CCT-C. GRCh37 (hg19) VCF-style: chr6-10402843-CCT-C.
Other names: NM_003220.2:c.765-2_765-1delAG; c.753-2_753-1del (NM_001042425.3); c.747-2_747-1del (NM_001032280.3).
Identifiers: ClinVar variation 2614435 (VCV002614435.3), dbSNP rs2532358471, ClinGen allele CA2582341670.